The following is an entry in ClinVar:

ClinVar aggregate classification (germline): Uncertain significance (1 of 4 stars; one submission).

Conditions:
RASopathy. Also called: rasopathies; Noonan spectrum disorder. Identifiers: Orphanet 536391, MedGen C5555857, MONDO:0021060.

gnomAD v4.1: 1 of 1,609,724 alleles (0.000062%); highest among the groups gnomAD compares: Non-Finnish European, 0.000085%; no homozygotes.

Submission:

Labcorp Genetics (formerly Invitae), Labcorp
Classification: Uncertain significance for RASopathy. Last evaluated: 2025-12-02. Review status: criteria provided, single submitter. Criteria: Invitae Variant Classification Sherloc (09022015). Collection method: clinical testing. Allele origin: germline.
Comment: This sequence change replaces histidine, which is basic and polar, with tyrosine, which is neutral and polar, at codon 124 of the SOS1 protein (p.His124Tyr). This variant is not present in population databases (gnomAD no frequency). This variant has not been reported in the literature in individuals affected with SOS1-related conditions. Invitae Evidence Modeling of protein sequence and biophysical properties (such as structural, functional, and spatial information, amino acid conservation, physicochemical variation, residue mobility, and thermodynamic stability) has been performed for this missense variant. However, the output from this modeling did not meet the statistical confidence thresholds required to predict the impact of this variant on SOS1 protein function. In summary, the available evidence is currently insufficient to determine the role of this variant in disease. Therefore, it has been classified as a Variant of Uncertain Significance.

NM_005633.4(SOS1):c.370C>T (p.His124Tyr)

Gene: SOS1 (SOS Ras/Rac guanine nucleotide exchange factor 1; minus strand). Cytogenetic location: 2p22.1.
Variant type: single nucleotide variant.
Coding change: c.370C>T on transcript NM_005633.4 (MANE Select); coding-DNA position 370, C replaced by T.
Protein change: p.His124Tyr; replaces histidine 124 with tyrosine.
Molecular consequence: missense variant.
Genome position (GRCh38, 1-based): chr2:39,056,842, G>A on the plus strand (C>T on the coding strand, the complement: SOS1 is on the minus strand). VCF-style: chr2-39056842-G-A. GRCh37 (hg19) VCF-style: chr2-39283983-G-A.
Other names: c.349C>T, p.His117Tyr (NM_001382394.1); c.370C>T, p.His124Tyr (NM_001382395.1); short protein forms H117Y, H124Y.
Identifiers: ClinVar variation 4703478 (VCV004703478.1).